The following is an entry in ClinVar:

NM_005918.4(MDH2):c.146T>C (p.Leu49Ser)

Gene: MDH2 (malate dehydrogenase 2; plus strand). Cytogenetic location: 7q11.23.
Variant type: single nucleotide variant.
Coding change: c.146T>C on transcript NM_005918.4 (MANE Select); coding-DNA position 146, T replaced by C.
Protein change: p.Leu49Ser; replaces leucine 49 with serine.
Molecular consequence: missense variant. On other transcripts: intron variant (1).
Genome position (GRCh38, 1-based): chr7:76,054,909, T>C. VCF-style: chr7-76054909-T-C. GRCh37 (hg19) VCF-style: chr7-75684227-T-C.
Other names: c.146T>C, p.Leu49Ser (NM_001282403.2); c.-86-2501T>C (NM_001282404.2); short protein forms L49S.
Identifiers: ClinVar variation 2561519 (VCV002561519.5), dbSNP rs1554585976, ClinGen allele CA367762434.

ClinVar aggregate classification (germline): Uncertain significance. Review status: criteria provided, multiple submitters, no conflicts (2 of 4 stars). 2 submissions from 2 submitters: Uncertain significance (2). Last evaluated 2024-07-08.

Conditions:
Inborn genetic diseases. Identifiers: MedGen C0950123, MeSH D030342.

Allele frequency attached by ClinVar (database versions not stated): gnomAD exomes below 0.00001.
gnomAD v4.1: 4 of 1,614,138 alleles (0.00025%); highest among the groups gnomAD compares: Non-Finnish European, 0.00034%; no homozygotes.

Submissions (2):

Labcorp Genetics (formerly Invitae), Labcorp
Classification: Uncertain significance. Last evaluated: 2024-07-08. Review status: criteria provided, single submitter. Criteria: Invitae Variant Classification Sherloc (09022015). Collection method: clinical testing. Allele origin: germline.
Comment: This sequence change replaces leucine, which is neutral and non-polar, with serine, which is neutral and polar, at codon 49 of the MDH2 protein (p.Leu49Ser). This variant is present in population databases (no rsID available, gnomAD 0.0009%). This variant has not been reported in the literature in individuals affected with MDH2-related conditions. ClinVar contains an entry for this variant (Variation ID: 2561519). Advanced modeling of protein sequence and biophysical properties (such as structural, functional, and spatial information, amino acid conservation, physicochemical variation, residue mobility, and thermodynamic stability) performed at Invitae indicates that this missense variant is not expected to disrupt MDH2 protein function with a negative predictive value of 80%. In summary, the available evidence is currently insufficient to determine the role of this variant in disease. Therefore, it has been classified as a Variant of Uncertain Significance.

Ambry Genetics
Classification: Uncertain significance for Inborn genetic diseases. Last evaluated: 2023-04-26. Review status: criteria provided, single submitter. Criteria: Ambry Variant Classification Scheme 2023. Collection method: clinical testing. Allele origin: germline.
Comment: The p.L49S variant (also known as c.146T>C), located in coding exon 2 of the MDH2 gene, results from a T to C substitution at nucleotide position 146. The leucine at codon 49 is replaced by serine, an amino acid with dissimilar properties. This amino acid position is conserved. In addition, this alteration is predicted to be deleterious by in silico analysis. Since supporting evidence is limited at this time, the clinical significance of this alteration remains unclear.